The following is an entry in ClinVar:

NM_001014342.3(FLG2):c.892T>C (p.Cys298Arg)

Genes: CCDST (cervical cancer associated DHX9 suppressive transcript; plus strand), FLG2 (filaggrin 2; minus strand). Cytogenetic location: 1q21.3.
Variant type: single nucleotide variant.
Coding change: c.892T>C on transcript NM_001014342.3 (MANE Select); coding-DNA position 892, T replaced by C.
Protein change: p.Cys298Arg; replaces cysteine 298 with arginine.
Molecular consequence: missense variant.
Genome position (GRCh38, 1-based): chr1:152,356,894, A>G on the plus strand (T>C on the coding strand, the complement: FLG2 is on the minus strand). VCF-style: chr1-152356894-A-G. GRCh37 (hg19) VCF-style: chr1-152329370-A-G.
Other names: short protein forms C298R.
Identifiers: ClinVar variation 2672356 (VCV002672356.23), dbSNP rs145678751, ClinGen allele CA1109450.
Genomic context (GRCh38, chr1:152,356,894, plus strand): 5'-GACAGCCTGACTGAATATAGCTAAATTGATTTCCTTGCCCTCCAAATCTATGTGACTGAC[A>G]AGAACTTGAAGCATTTTGTGGCCTTCCACACCCACTTGAATTGCTATAACCACATGCATG-3'
Protein context (NP_001014364.1, residues 288-308): CGRPQNASSS[Cys298Arg]QSHRFGGQGN

ClinVar aggregate classification (germline): Likely benign (1 of 4 stars; one submission).

Allele frequency attached by ClinVar (database versions not stated): 1000 Genomes Project 30x 0.00094; 1000 Genomes Project 0.00100; TOPMed 0.00157; gnomAD 0.00166; ESP Exome Variant Server 0.00185; ExAC 0.00220.
gnomAD v4.1: 2,871 of 1,614,192 alleles (0.18%); highest among the groups gnomAD compares: Middle Eastern, 0.46%; 8 homozygotes.

Submission:

CeGaT Center for Human Genetics Tuebingen
Classification: Likely benign. Last evaluated: 2026-06-01. Review status: criteria provided, single submitter. Criteria: CeGaT Center For Human Genetics Tuebingen Variant Classification Criteria Version 2. Collection method: clinical testing. Allele origin: germline. Affected: yes. Observed: 2 variant alleles.
Comment: FLG2: BP4, BS2